The following is an entry in ClinVar:

ClinVar aggregate classification (germline): Uncertain significance (1 of 4 stars; one submission).

Conditions:
Inborn genetic diseases. Identifiers: MedGen C0950123, MeSH D030342.

Submission:

Ambry Genetics
Classification: Uncertain significance for Inborn genetic diseases. Last evaluated: 2025-04-10. Review status: criteria provided, single submitter. Criteria: Ambry Variant Classification Scheme 2023. Collection method: clinical testing. Allele origin: germline.
Comment: The p.G1299S variant (also known as c.3895G>A), located in coding exon 13 of the ASXL1 gene, results from a G to A substitution at nucleotide position 3895. The glycine at codon 1299 is replaced by serine, an amino acid with similar properties. This amino acid position is conserved. In addition, this alteration is predicted to be tolerated by in silico analysis. Based on the available evidence, the clinical significance of this variant remains unclear.

NM_015338.6(ASXL1):c.3895G>A (p.Gly1299Ser)

Gene: ASXL1 (ASXL transcriptional regulator 1; plus strand). Cytogenetic location: 20q11.21.
Variant type: single nucleotide variant.
Coding change: c.3895G>A on transcript NM_015338.6 (MANE Select); coding-DNA position 3895, G replaced by A.
Protein change: p.Gly1299Ser; replaces glycine 1299 with serine.
Molecular consequence: missense variant.
Genome position (GRCh38, 1-based): chr20:32,436,607, G>A. VCF-style: chr20-32436607-G-A. GRCh37 (hg19) VCF-style: chr20-31024410-G-A.
Other names: c.3712G>A, p.Gly1238Ser (NM_001363734.1); short protein forms G1238S, G1299S.
Identifiers: ClinVar variation 3956006 (VCV003956006.1).